The following is an entry in ClinVar:

NM_002029.4(FPR1):c.641T>G (p.Met214Arg)

Gene: FPR1 (formyl peptide receptor 1; minus strand). Cytogenetic location: 19q13.41.
Variant type: single nucleotide variant.
Coding change: c.641T>G on transcript NM_002029.4 (MANE Select); coding-DNA position 641, T replaced by G.
Protein change: p.Met214Arg; replaces methionine 214 with arginine.
Molecular consequence: missense variant.
Genome position (GRCh38, 1-based): chr19:51,746,354, A>C on the plus strand (T>G on the coding strand, the complement: FPR1 is on the minus strand). VCF-style: chr19-51746354-A-C. GRCh37 (hg19) VCF-style: chr19-52249607-A-C.
Other names: c.641T>G, p.Met214Arg (NM_001193306.2); short protein forms M214R.
Identifiers: ClinVar variation 2815720 (VCV002815720.3), dbSNP rs2083744661, ClinGen allele CA407117686.

ClinVar aggregate classification (germline): Uncertain significance (1 of 4 stars; one submission).

Conditions:
Gingival disorder. Also called: Gingival disease. Identifiers: MedGen C0017563, MONDO:0002021.

Submission:

Labcorp Genetics (formerly Invitae), Labcorp
Classification: Uncertain significance for Gingival disorder. Last evaluated: 2023-12-26. Review status: criteria provided, single submitter. Criteria: Invitae Variant Classification Sherloc (09022015). Collection method: clinical testing. Allele origin: germline.
Comment: This sequence change replaces methionine, which is neutral and non-polar, with arginine, which is basic and polar, at codon 214 of the FPR1 protein (p.Met214Arg). This variant is not present in population databases (gnomAD no frequency). This variant has not been reported in the literature in individuals affected with FPR1-related conditions. An algorithm developed to predict the effect of missense changes on protein structure and function (PolyPhen-2) suggests that this variant is likely to be disruptive. In summary, the available evidence is currently insufficient to determine the role of this variant in disease. Therefore, it has been classified as a Variant of Uncertain Significance.